The following is an entry in ClinVar:

ClinVar aggregate classification (germline): Benign/Likely benign. Review status: criteria provided, multiple submitters, no conflicts (2 of 4 stars). 17 submissions from 14 submitters: Benign (8); Likely benign (6). 3 of the submissions do not count toward it. Last evaluated 2026-02-02.

Conditions:
Cardiovascular phenotype. Identifiers: MedGen CN230736.
Dilated cardiomyopathy 1G (CMD1G). Identifiers: Orphanet 154, MedGen C1858763, MONDO:0011400, OMIM 604145.
Autosomal recessive limb-girdle muscular dystrophy type 2J (LGMDR10). Also called: MUSCULAR DYSTROPHY, LIMB-GIRDLE, AUTOSOMAL RECESSIVE 10; Limb-girdle muscular dystrophy, type 2J. Identifiers: Orphanet 140922, MedGen C1837342, MONDO:0012127, OMIM 608807.
Cardiomyopathy (CMYO). Also called: Cardiomyopathies. Identifiers: Orphanet 167848, MedGen C0878544, MONDO:0004994, HP:0001638. Inheritance: Various modes of inheritance.
Early-onset myopathy with fatal cardiomyopathy (CMYO5). Also called: CONGENITAL MYOPATHY 5 WITH CARDIOMYOPATHY; Salih Myopathy. Identifiers: Orphanet 289377, MedGen C2673677, MONDO:0012714, OMIM 611705. Disease mechanism: loss of function.
Myopathy, myofibrillar, 9, with early respiratory failure (MFM9). Also called: Myopathy, distal, with early respiratory failure, autosomal dominant; Hereditary myopathy with early respiratory failure; MYOPATHY, PROXIMAL, WITH EARLY RESPIRATORY MUSCLE INVOLVEMENT; EDSTROM MYOPATHY. Identifiers: Orphanet 178464, Orphanet 34521, MedGen C1863599, MONDO:0011362, OMIM 603689.
Tibial muscular dystrophy (TMD). Also called: Udd Distal Myopathy – Tibial Muscular Dystrophy; Tibial muscular dystrophy, tardive; UDD MYOPATHY. Identifiers: Orphanet 609, MedGen C1838244, MONDO:0010870, OMIM 600334.

Allele frequency attached by ClinVar (database versions not stated): gnomAD exomes 0.00050 and 0.00053; 1000 Genomes Project 0.00100; ESP Exome Variant Server 0.00108; 1000 Genomes Project 30x 0.00109; TOPMed 0.00154; gnomAD 0.00145 and 0.00159; ExAC 0.00064.
gnomAD v4.1: 940 of 1,581,664 alleles (0.059%); highest among the groups gnomAD compares: African/African-American, 0.45%; no homozygotes.

Submissions (17):

Labcorp Genetics (formerly Invitae), Labcorp
Classification: Benign for Dilated cardiomyopathy 1G; Autosomal recessive limb-girdle muscular dystrophy type 2J. Last evaluated: 2026-02-02. Review status: criteria provided, single submitter. Criteria: Invitae Variant Classification Sherloc (09022015). Collection method: clinical testing. Allele origin: germline.

CeGaT Center for Human Genetics Tuebingen
Classification: Likely benign. Last evaluated: 2026-02-01. Review status: criteria provided, single submitter. Criteria: CeGaT Center For Human Genetics Tuebingen Variant Classification Criteria Version 2. Collection method: clinical testing. Allele origin: germline. Affected: yes. Observed: 3 variant alleles.
Comment: TTN: BP4, BP7

Molecular Diagnostic Laboratory for Inherited Cardiovascular Disease, Montreal Heart Institute
Classification: Benign. Last evaluated: 2025-04-09. Review status: criteria provided, single submitter. Criteria: ACMG Guidelines, 2015. Collection method: clinical testing. Allele origin: germline. Affected: no.

Blueprint Genetics
Classification: Likely benign. Last evaluated: 2024-11-11. Review status: criteria provided, single submitter. Criteria: ACMG Guidelines, 2015. Collection method: clinical testing. Allele origin: germline.

Genome-Nilou Lab
Classification: Benign for Autosomal recessive limb-girdle muscular dystrophy type 2J. Last evaluated: 2021-09-10. Review status: criteria provided, single submitter. Criteria: ACMG Guidelines, 2015. Collection method: clinical testing. Allele origin: germline. Affected: no.

Genome-Nilou Lab
Classification: Benign for Myopathy, myofibrillar, 9, with early respiratory failure. Last evaluated: 2021-09-10. Review status: criteria provided, single submitter. Criteria: ACMG Guidelines, 2015. Collection method: clinical testing. Allele origin: germline. Affected: no.

Genome-Nilou Lab
Classification: Benign for Early-onset myopathy with fatal cardiomyopathy. Last evaluated: 2021-09-10. Review status: criteria provided, single submitter. Criteria: ACMG Guidelines, 2015. Collection method: clinical testing. Allele origin: germline. Affected: no.

Genome-Nilou Lab
Classification: Benign for Tibial muscular dystrophy. Last evaluated: 2021-09-10. Review status: criteria provided, single submitter. Criteria: ACMG Guidelines, 2015. Collection method: clinical testing. Allele origin: germline. Affected: no.

CHEO Genetics Diagnostic Laboratory, Children's Hospital of Eastern Ontario
Classification: Benign for Cardiomyopathy. Last evaluated: 2016-09-08. Review status: criteria provided, single submitter. Criteria: ACMG Guidelines, 2015. Collection method: clinical testing. Allele origin: germline. Study: Canadian Open Genetics Repository.

Eurofins Ntd Llc (ga)
Classification: Likely benign. Last evaluated: 2016-06-02. Review status: criteria provided, single submitter. Criteria: EGL Classification Definitions 2015. Collection method: clinical testing. Allele origin: germline. Observed: 3 variant alleles, 3 heterozygotes.

Ambry Genetics
Classification: Likely benign for Cardiovascular phenotype. Last evaluated: 2016-06-01. Review status: criteria provided, single submitter. Criteria: Ambry Variant Classification Scheme 2023. Collection method: clinical testing. Allele origin: germline.

GeneDx
Classification: Benign. Last evaluated: 2014-06-26. Review status: criteria provided, single submitter. Criteria: GeneDx Variant Classification (06012015). Collection method: clinical testing. Allele origin: germline. Affected: yes.
Comment: This variant is considered likely benign or benign based on one or more of the following criteria: it is a conservative change, it occurs at a poorly conserved position in the protein, it is predicted to be benign by multiple in silico algorithms, and/or has population frequency not consistent with disease.

Laboratory for Molecular Medicine, Mass General Brigham Personalized Medicine
Classification: Likely benign. Last evaluated: 2012-03-19. Review status: criteria provided, single submitter. Criteria: LMM Criteria. Collection method: clinical testing. Allele origin: germline. Observed: 2 variant alleles.
Comment: Thr4430Thr in exon 45B of TTN: This variant is not expected to have clinical sig nificance because it does not alter an amino acid residue and is not located wit hin the splice consensus sequence. It has been identified in 0.3% (8/3128) of Af rican American chromosomes from a broad population by the NHLBI Exome Sequencing Project. Thr4430Thr in exon 45B of TTN (all ele frequency = 0.3%, 8/3128) **

Breakthrough Genomics
Classification: Likely benign. Review status: criteria provided, single submitter. Criteria: ACMG Guidelines, 2015. Collection method: not provided. Allele origin: germline. Inheritance: Autosomal recessive inheritance. Affected: yes.

Clinical Genetics DNA and cytogenetics Diagnostics Lab, Erasmus MC, Erasmus Medical Center
Classification: Likely benign. Review status: no assertion criteria provided. Collection method: clinical testing. Allele origin: germline. Affected: yes. Study: VKGL Data-share Consensus. Not counted in ClinVar's aggregate classification.

Clinical Genetics, Academic Medical Center
Classification: Benign. Review status: no assertion criteria provided. Collection method: clinical testing. Allele origin: germline. Affected: yes. Study: VKGL Data-share Consensus. Not counted in ClinVar's aggregate classification.

Joint Genome Diagnostic Labs from Nijmegen and Maastricht, Radboudumc and MUMC+
Classification: Benign. Review status: no assertion criteria provided. Collection method: clinical testing. Allele origin: germline. Affected: yes. Study: VKGL Data-share Consensus. Not counted in ClinVar's aggregate classification.

NM_001267550.2(TTN):c.14004C>T (p.Thr4668=)

Gene: TTN (titin; minus strand). Cytogenetic location: 2q31.2.
Variant type: single nucleotide variant.
Coding change: c.14004C>T on transcript NM_001267550.2 (MANE Select); coding-DNA position 14004, C replaced by T.
Protein change: p.Thr4668=; no amino-acid change (threonine 4668 retained).
Molecular consequence: synonymous variant. On other transcripts: intron variant (1).
Genome position (GRCh38, 1-based): chr2:178,739,229, G>A on the plus strand (C>T on the coding strand, the complement: TTN is on the minus strand). VCF-style: chr2-178739229-G-A. GRCh37 (hg19) VCF-style: chr2-179603956-G-A.
Other names: p.T4351T:ACC>ACT; c.12915C>T, p.Thr4305= (NM_003319.4); c.13290C>T, p.Thr4430= (NM_133432.3); c.13491C>T, p.Thr4497= (NM_133437.4); c.10361-869C>T (NM_133378.4); c.13053C>T, p.Thr4351= (NM_001256850.1).
Identifiers: ClinVar variation 47844 (VCV000047844.57), dbSNP rs201200682, ClinGen allele CA284582.